The following is an entry in ClinVar:

ClinVar aggregate classification (germline): Uncertain significance. Review status: criteria provided, multiple submitters, no conflicts (2 of 4 stars). 2 submissions from 2 submitters: Uncertain significance (2). Last evaluated 2025-02-13.

Conditions:
Charcot-Marie-Tooth disease dominant intermediate F. Identifiers: Orphanet 352670, MedGen C4749463, MONDO:0014074, OMIM 615185.

Allele frequency attached by ClinVar (database versions not stated): gnomAD exomes 0.00001.
gnomAD v4.1: 7 of 1,579,474 alleles (0.00044%); highest among the groups gnomAD compares: Non-Finnish European, 0.00061%; no homozygotes.

Submissions (2):

Women's Health and Genetics/Laboratory Corporation of America, LabCorp
Classification: Uncertain significance. Last evaluated: 2025-02-13. Review status: criteria provided, single submitter. Criteria: LabCorp Variant Classification Summary - May 2015. Collection method: clinical testing. Allele origin: germline.
Comment: Variant summary: GNB4 c.429A>G (p.Thr143Thr) alters a non-conserved nucleotide located close to a canonical splice site and therefore could affect mRNA splicing, leading to a significantly altered protein sequence. Several computational tools predict a significant impact on normal splicing: three predict the variant weakens a 5' donor site, while one predicts for the variant no significant impact on splicing. However, these predictions have yet to be confirmed by functional studies. The variant allele was found at a frequency of 4.5e-06 in 1572620 control chromosomes in the gnomAD database (v4.1 dataset). The available data on variant occurrences in the general population are insufficient to allow any conclusion about variant significance. To our knowledge, no occurrence of c.429A>G in individuals affected with Charcot-Marie-Tooth disease dominant intermediate F and no experimental evidence demonstrating its impact on protein function have been reported. ClinVar contains an entry for this variant (Variation ID: 650686). Based on the evidence outlined above, the variant was classified as uncertain significance.

Labcorp Genetics (formerly Invitae), Labcorp
Classification: Uncertain significance for Charcot-Marie-Tooth disease dominant intermediate F. Last evaluated: 2024-07-01. Review status: criteria provided, single submitter. Criteria: Invitae Variant Classification Sherloc (09022015). Collection method: clinical testing. Allele origin: germline.
Comment: This sequence change affects codon 143 of the GNB4 mRNA. It is a 'silent' change, meaning that it does not change the encoded amino acid sequence of the GNB4 protein. This variant is not present in population databases (gnomAD no frequency). This variant has not been reported in the literature in individuals affected with GNB4-related conditions. ClinVar contains an entry for this variant (Variation ID: 650686). Algorithms developed to predict the effect of sequence changes on RNA splicing suggest that this variant may disrupt the consensus splice site. In summary, the available evidence is currently insufficient to determine the role of this variant in disease. Therefore, it has been classified as a Variant of Uncertain Significance.

NM_021629.4(GNB4):c.429A>G (p.Thr143=)

Gene: GNB4 (G protein subunit beta 4; minus strand). Cytogenetic location: 3q26.33.
Variant type: single nucleotide variant.
Coding change: c.429A>G on transcript NM_021629.4 (MANE Select); coding-DNA position 429, A replaced by G.
Protein change: p.Thr143=; no amino-acid change (threonine 143 retained).
Molecular consequence: synonymous variant.
Genome position (GRCh38, 1-based): chr3:179,414,886, T>C on the plus strand (A>G on the coding strand, the complement: GNB4 is on the minus strand). VCF-style: chr3-179414886-T-C. GRCh37 (hg19) VCF-style: chr3-179132674-T-C.
Identifiers: ClinVar variation 650686 (VCV000650686.9), dbSNP rs1577029046, ClinGen allele CA437177800.